The following is an entry in ClinVar:

ClinVar aggregate classification (germline): Likely pathogenic (1 of 4 stars; one submission).

Allele frequency attached by ClinVar (database versions not stated): gnomAD 0.00001; gnomAD exomes 0.00002; TOPMed 0.00002.

Submission:

Labcorp Genetics (formerly Invitae), Labcorp
Classification: Likely pathogenic. Last evaluated: 2022-06-28. Review status: criteria provided, single submitter. Criteria: Invitae Variant Classification Sherloc (09022015). Collection method: clinical testing. Allele origin: germline.
Comment: This sequence change affects a donor splice site in intron 1 of the CABP2 gene. It is expected to disrupt RNA splicing. Variants that disrupt the donor or acceptor splice site typically lead to a loss of protein function (PMID: 16199547), and loss-of-function variants in CABP2 are known to be pathogenic (PMID: 26226137, 28183797). The frequency data for this variant in the population databases is considered unreliable, as metrics indicate poor data quality at this position in the gnomAD database. This variant has not been reported in the literature in individuals affected with CABP2-related conditions. Algorithms developed to predict the effect of sequence changes on RNA splicing suggest that this variant may disrupt the consensus splice site. In summary, the currently available evidence indicates that the variant is pathogenic, but additional data are needed to prove that conclusively. Therefore, this variant has been classified as Likely Pathogenic.

Literature cited by the submitters: PubMed 16199547; PubMed 26226137; PubMed 28183797.

NM_016366.3(CABP2):c.42+1G>C

Gene: CABP2 (calcium binding protein 2; minus strand). Cytogenetic location: 11q13.2.
Variant type: single nucleotide variant.
Coding change: c.42+1G>C on transcript NM_016366.3 (MANE Select); the canonical splice donor site of the intron after coding-DNA position 42, G replaced by C.
Molecular consequence: splice donor variant.
Genome position (GRCh38, 1-based): chr11:67,523,284, C>G on the plus strand (G>C on the coding strand, the complement: CABP2 is on the minus strand). VCF-style: chr11-67523284-C-G. GRCh37 (hg19) VCF-style: chr11-67290755-C-G.
Other names: c.56+1G>C (NM_001318496.2).
Identifiers: ClinVar variation 2057154 (VCV002057154.1), dbSNP rs1301870356, ClinGen allele CA381519644.